The following is an entry in ClinVar:

NM_022168.4(IFIH1):c.834C>A (p.Ser278Arg)

Gene: IFIH1 (interferon induced with helicase C domain 1; minus strand). Cytogenetic location: 2q24.2.
Variant type: single nucleotide variant.
Coding change: c.834C>A on transcript NM_022168.4 (MANE Select); coding-DNA position 834, C replaced by A.
Protein change: p.Ser278Arg; replaces serine 278 with arginine.
Molecular consequence: missense variant.
Genome position (GRCh38, 1-based): chr2:162,293,604, G>T on the plus strand (C>A on the coding strand, the complement: IFIH1 is on the minus strand). VCF-style: chr2-162293604-G-T. GRCh37 (hg19) VCF-style: chr2-163150114-G-T.
Other names: short protein forms S278R.
Identifiers: ClinVar variation 4782959 (VCV004782959.1).
Genomic context (GRCh38, chr2:162,293,604, plus strand): 5'-ACACAACAGTTAGGCAGTACCTGAATCACTTCCCATGGTGCCTGAATCACTGCCCATGTT[G>T]CTGTTATGTCCAAGACTTTCATCTAAGCAGCTGACACTTCCTTCTGCCAAACTTGTGTCT-3'
Protein context (NP_071451.2, residues 268-288): SCLDESLGHN[Ser278Arg]NMGSDSGTMG

ClinVar aggregate classification (germline): Uncertain significance (1 of 4 stars; one submission).

Conditions:
Aicardi-Goutieres syndrome 7 (AGS7). Identifiers: Orphanet 51, MedGen C3888244, MONDO:0014367, OMIM 615846.
Singleton-Merten syndrome 1 (SGMRT1). Also called: Widened medullary cavities of bone, aortic calcification, abnormal dentition, and muscular weakness; Syndrome of widened medullary cavities of the metacarpals and phalanges, aortic calcification and abnormal dentition. Identifiers: Orphanet 85191, MedGen C4225427, MONDO:0024535, OMIM 182250.

Submission:

Labcorp Genetics (formerly Invitae), Labcorp
Classification: Uncertain significance for Aicardi-Goutieres syndrome 7; Singleton-Merten syndrome 1. Last evaluated: 2025-12-13. Review status: criteria provided, single submitter. Criteria: Invitae Variant Classification Sherloc (09022015). Collection method: clinical testing. Allele origin: germline.
Comment: This sequence change replaces serine, which is neutral and polar, with arginine, which is basic and polar, at codon 278 of the IFIH1 protein (p.Ser278Arg). This variant is not present in population databases (gnomAD no frequency). This variant has not been reported in the literature in individuals affected with IFIH1-related conditions. Invitae Evidence Modeling of protein sequence and biophysical properties (such as structural, functional, and spatial information, amino acid conservation, physicochemical variation, residue mobility, and thermodynamic stability) has been performed for this missense variant. However, the output from this modeling did not meet the statistical confidence thresholds required to predict the impact of this variant on IFIH1 protein function. In summary, the available evidence is currently insufficient to determine the role of this variant in disease. Therefore, it has been classified as a Variant of Uncertain Significance.